The following is an entry in ClinVar:

NM_005751.5(AKAP9):c.10348C>T (p.Arg3450Ter)

Gene: AKAP9 (A-kinase anchoring protein 9; plus strand). Cytogenetic location: 7q21.2.
Variant type: single nucleotide variant.
Coding change: c.10348C>T on transcript NM_005751.5 (MANE Select); coding-DNA position 10348, C replaced by T.
Protein change: p.Arg3450Ter; replaces arginine 3450 with a stop codon.
Molecular consequence: nonsense.
Genome position (GRCh38, 1-based): chr7:92,097,307, C>T. VCF-style: chr7-92097307-C-T. GRCh37 (hg19) VCF-style: chr7-91726621-C-T.
Other names: c.4993C>T, p.Arg1665Ter (NM_001379277.1); c.10324C>T, p.Arg3442Ter (NM_147185.3); short protein forms R1665*, R3442*, R3450*.
Identifiers: ClinVar variation 3225000 (VCV003225000.1), dbSNP rs770593631, ClinGen allele CA368155614.

ClinVar aggregate classification (germline): Uncertain significance (1 of 4 stars; one submission).

Conditions:
Cardiovascular phenotype. Identifiers: MedGen CN230736.

gnomAD v4.1: 4 of 1,613,696 alleles (0.00025%); highest among the groups gnomAD compares: Non-Finnish European, 0.00034%; no homozygotes.

Submission:

Ambry Genetics
Classification: Uncertain significance for Cardiovascular phenotype. Last evaluated: 2023-10-10. Review status: criteria provided, single submitter. Criteria: Ambry Variant Classification Scheme 2023. Collection method: clinical testing. Allele origin: germline.
Comment: The p.R3450* variant (also known as c.10348C>T), located in coding exon 41 of the AKAP9 gene, results from a C to T substitution at nucleotide position 10348. This changes the amino acid from an arginine to a stop codon within coding exon 41. This alteration is expected to result in loss of function by premature protein truncation or nonsense-mediated mRNA decay. However, the evidence for this gene-disease relationship is limited; therefore, the clinical significance of this alteration is unclear.